The following is an entry in ClinVar:

ClinVar aggregate classification (germline): Pathogenic. Review status: criteria provided, multiple submitters, no conflicts (2 of 4 stars). 6 submissions from 6 submitters: Pathogenic (4). 2 of the submissions do not count toward it. Last evaluated 2026-01-05.

Conditions:
Kennedy disease (SMAX1). Also called: KENNEDY SPINAL AND BULBAR MUSCULAR ATROPHY; SPINAL AND BULBAR MUSCULAR ATROPHY, X-LINKED 1; Spinal and Bulbar Muscular Atrophy. Identifiers: Orphanet 481, MedGen C1839259, MONDO:0010735, OMIM 313200.
Androgen resistance syndrome (AIS). Also called: Androgen insensitivity, complete; DIHYDROTESTOSTERONE RECEPTOR DEFICIENCY; Androgen insensitivity; Androgen insensitivity syndrome; ANDROGEN RECEPTOR DEFICIENCY; TESTICULAR FEMINIZATION SYNDROME. Identifiers: Orphanet 754, Orphanet 99429, MedGen C0039585, MONDO:0019154, OMIM 300068. Disease mechanism: loss of function.

Submissions (6):

Labcorp Genetics (formerly Invitae), Labcorp
Classification: Pathogenic for Kennedy disease; Androgen resistance syndrome. Last evaluated: 2026-01-05. Review status: criteria provided, single submitter. Criteria: Invitae Variant Classification Sherloc (09022015). Collection method: clinical testing. Allele origin: germline.
Comment: This sequence change replaces arginine, which is basic and polar, with cysteine, which is neutral and slightly polar, at codon 775 of the AR protein (p.Arg775Cys). This variant is not present in population databases (gnomAD no frequency). This missense change has been observed in individual(s) with complete androgen insensitivity syndrome (PMID: 1609793, 2082179, 8990010, 9627582, 12705360, 20150575, 28624954). In at least one individual the variant was observed to be de novo. It has also been observed to segregate with disease in related individuals. This variant is also known as R774C, Arg774Cys, and Arg773Cys. ClinVar contains an entry for this variant (Variation ID: 9804). Invitae Evidence Modeling of protein sequence and biophysical properties (such as structural, functional, and spatial information, amino acid conservation, physicochemical variation, residue mobility, and thermodynamic stability) indicates that this missense variant is expected to disrupt AR protein function with a positive predictive value of 95%. Experimental studies have shown that this missense change affects AR function (PMID: 1609793, 2082179). This variant disrupts the p.Arg775 amino acid residue in AR. Other variant(s) that disrupt this residue have been determined to be pathogenic (PMID: 1609793, 10690872, 22334387, 24737579). This suggests that this residue is clinically significant, and that variants that disrupt this residue are likely to be disease-causing. For these reasons, this variant has been classified as Pathogenic.

Clinical Genetics Laboratory, Skane University Hospital Lund
Classification: Pathogenic. Last evaluated: 2023-07-19. Review status: criteria provided, single submitter. Criteria: ACMG Guidelines, 2015. Collection method: clinical testing. Allele origin: germline. Affected: yes.

Genetic Services Laboratory, University of Chicago
Classification: Pathogenic. Last evaluated: 2021-12-16. Review status: criteria provided, single submitter. Criteria: ACMG Guidelines, 2015. Collection method: clinical testing. Allele origin: germline. Affected: yes.
Comment: DNA sequence analysis of the AR gene demonstrated a sequence change, c.2323C>T, in exon 6 that results in an amino acid change, p.Arg775Cys. The p.Arg775Cys change affects a highly conserved amino acid residue located in a domain of the AR protein that is known to be functional. The p.Arg775Cys substitution appears to be deleterious using several in-silico pathogenicity prediction tools (SIFT, PolyPhen2, Align GVGD, REVEL). This pathogenic sequence change has previously been described in multiple individuals and families with AR-related disorders (PMID: 1609793, 9627582, 1856263, 8990010, 9544375, 2082179, 28624954, 20150575, 12705360). This sequence change has not been described in population databases such as ExAC and gnomAD. The p.Arg775Cys amino acid change occurs in a region of the AR gene where several other missense sequence changes have been described in individuals with AR-related disorders. Additionally, a different missense change at the same amino acid residue has been identified in individuals with AR-related disorders (PMID: 15925895, 1307250, 10690872, 1609793, 22334387, 247375790). Based on these collective evidences, this sequence change is classified as pathogenic.

Dept. of Cytogenetics, ICMR- National Institute of Immunohaematology
Classification: Pathogenic for Androgen resistance syndrome. Review status: criteria provided, single submitter. Criteria: ACMG Guidelines, 2015. Collection method: clinical testing. Allele origin: germline. Affected: yes. Observed: 1 homozygote.

OMIM
Classification: Pathogenic for ANDROGEN INSENSITIVITY, COMPLETE. Last evaluated: 2013-10-01. Review status: no assertion criteria provided. Collection method: literature only. Allele origin: germline. Not counted in ClinVar's aggregate classification.

Clinical Molecular Genetics Laboratory, Johns Hopkins All Children's Hospital
Classification: Pathogenic for Androgen resistance syndrome. Last evaluated: 2013-07-12. Review status: no assertion criteria provided. Collection method: clinical testing. Allele origin: germline. Affected: yes. Not counted in ClinVar's aggregate classification.

Literature cited by the submitters: PubMed 1609793 (cited by Labcorp Genetics (formerly Invitae), Labcorp); PubMed 2082179 (cited by Labcorp Genetics (formerly Invitae), Labcorp); PubMed 8990010 (cited by Labcorp Genetics (formerly Invitae), Labcorp); PubMed 9627582 (cited by Labcorp Genetics (formerly Invitae), Labcorp); PubMed 12705360 (cited by Labcorp Genetics (formerly Invitae), Labcorp); PubMed 20150575 (cited by Labcorp Genetics (formerly Invitae), Labcorp); PubMed 28624954 (cited by Labcorp Genetics (formerly Invitae), Labcorp); PubMed 10690872 (cited by Labcorp Genetics (formerly Invitae), Labcorp); PubMed 22334387 (cited by Labcorp Genetics (formerly Invitae), Labcorp); PubMed 24737579 (cited by Labcorp Genetics (formerly Invitae), Labcorp); Trifiro, M., Prior, L., Pinsky, L., Kaufman, M., Chang, C., Trapman, J., Brinkmann, A. O., Kuiper, G. G. J. M., Ris, C. A single transition at an exonic CpG site apparently abolishes androgen receptor (AR)-binding activity in a family with complete androgen insensitivity (CAI). (Abstract) Am. J. Hum. Genet. 45 (suppl.): A225, 1989. (cited by OMIM).

NM_000044.6(AR):c.2323C>T (p.Arg775Cys)

Gene: AR (androgen receptor; plus strand). Cytogenetic location: Xq12.
Variant type: single nucleotide variant.
Coding change: c.2323C>T on transcript NM_000044.6 (MANE Select); coding-DNA position 2323, C replaced by T.
Protein change: p.Arg775Cys; replaces arginine 775 with cysteine.
Molecular consequence: missense variant.
Genome position (GRCh38, 1-based): chrX:67,721,837, C>T. VCF-style: chrX-67721837-C-T. GRCh37 (hg19) VCF-style: chrX-66941679-C-T.
Other names: R773C; R772C; c.727C>T, p.Arg243Cys (NM_001011645.3); short protein forms R775C, R243C.
Identifiers: ClinVar variation 9804 (VCV000009804.19), dbSNP rs137852562, ClinGen allele CA120701.